The following is an entry in ClinVar:

ClinVar aggregate classification (germline): Likely benign (1 of 4 stars; one submission).

Submission:

GeneDx
Classification: Likely benign. Last evaluated: 2021-05-25. Review status: criteria provided, single submitter. Criteria: GeneDx Variant Classification Process June 2021. Collection method: clinical testing. Allele origin: germline. Affected: yes.
Comment: See Variant Classification Assertion Criteria.

NM_003052.5(SLC34A1):c.1175-141_1175-115del

Gene: SLC34A1 (solute carrier family 34 member 1; plus strand). Cytogenetic location: 5q35.3.
Variant type: Microsatellite.
Coding change: c.1175-141_1175-115del on transcript NM_003052.5 (MANE Select); 141 bases into the intron before coding-DNA position 1175 through 115 bases into the intron before coding-DNA position 1175, 27 bases deleted (GTCCTCTCTCCCAGTGCCCCCGCGGAG).
Molecular consequence: intron variant.
Genome position (GRCh38, 1-based): chr5:177,396,592-177,396,618, GTCCTCTCTCCCAGTGCCCCCGCGGAG deleted; deleting any 27 consecutive bases within chr5:177,396,543-177,396,618 gives the same sequence; the c. name uses the placement nearest the transcript's 3' end. VCF-style (leftmost placement, unchanged base first): chr5-177396542-GCTCTCCCAGTGCCCCCGCGGAGGTCCT-G. GRCh37 (hg19) VCF-style: chr5-176823543-GCTCTCCCAGTGCCCCCGCGGAGGTCCT-G.
Identifiers: ClinVar variation 3340980 (VCV003340980.1).